The following is an entry in ClinVar:

NM_000059.4(BRCA2):c.4689G>A (p.Trp1563Ter)

Gene: BRCA2 (BRCA2 DNA repair associated; plus strand). Cytogenetic location: 13q13.1.
Variant type: single nucleotide variant.
Coding change: c.4689G>A on transcript NM_000059.4 (MANE Select); coding-DNA position 4689, G replaced by A.
Protein change: p.Trp1563Ter; replaces tryptophan 1563 with a stop codon.
Molecular consequence: nonsense.
Genome position (GRCh38, 1-based): chr13:32,339,044, G>A. VCF-style: chr13-32339044-G-A. GRCh37 (hg19) VCF-style: chr13-32913181-G-A.
Other names: short protein forms W1563*.
Identifiers: ClinVar variation 254539 (VCV000254539.24), dbSNP rs886038108, ClinGen allele CA10586527.
Genomic context (GRCh38, chr13:32,339,044, plus strand): 5'-AAACCTTTTTGATGAAAAAGAGCAAGGTACTAGTGAAATCACCAGTTTTAGCCATCAATG[G>A]GCAAAGACCCTAAAGTACAGAGAGGCCTGTAAAGACCTTGAATTAGCATGTGAGACCATT-3'

ClinVar aggregate classification (germline): Pathogenic. Review status: reviewed by expert panel (3 of 4 stars). 8 submissions from 8 submitters: Pathogenic (1). 7 of the submissions do not count toward it. Last evaluated 2016-09-08.

Conditions:
Hereditary cancer-predisposing syndrome. Also called: Tumor predisposition; Hereditary Cancer Syndrome; Neoplastic Syndromes, Hereditary; Hereditary neoplastic syndrome. Identifiers: Orphanet 140162, MedGen C0027672, MeSH D009386, MONDO:0015356.
Hereditary breast ovarian cancer syndrome. Also called: Hereditary breast and ovarian cancer; Breast and ovarian cancer; Hereditary breast and/or ovarian cancer syndrome; BRCA1- and BRCA2-Associated Hereditary Breast and Ovarian Cancer; Hereditary breast and ovarian cancer syndrome; Hereditary breast and ovarian cancer syndrome (HBOC). Identifiers: Orphanet 145, MedGen C0677776, MeSH D061325, MONDO:0003582. Disease mechanism: loss of function.
Breast-ovarian cancer, familial, susceptibility to, 2 (BROVCA2). Also called: BRCA2 Hereditary Breast and Ovarian Cancer. Identifiers: Orphanet 145, MedGen C2675520, MONDO:0012933, OMIM 612555. Disease mechanism: loss of function.
Familial cancer of breast. Also called: BREAST CANCER, FAMILIAL; Hereditary breast cancer; hereditary breast carcinoma. Identifiers: Orphanet 227535, MedGen C0346153, MONDO:0016419, OMIM 114480. Disease mechanism: loss of function.

Allele frequency attached by ClinVar (database versions not stated): gnomAD 0.00001.
gnomAD v4.1: 1 of 1,613,840 alleles (0.000062%); highest among the groups gnomAD compares: African/African-American, 0.0013%; no homozygotes.

Submissions (8):

Evidence-based Network for the Interpretation of Germline Mutant Alleles (ENIGMA)
Classification: Pathogenic for Breast-ovarian cancer, familial, susceptibility to, 2. Last evaluated: 2016-09-08. Review status: reviewed by expert panel. Criteria: ENIGMA BRCA1/2 Classification Criteria (2015). Collection method: curation. Allele origin: germline.
Comment: Variant allele predicted to encode a truncated non-functional protein.

Color Diagnostics, LLC DBA Color Health
Classification: Pathogenic for Hereditary cancer-predisposing syndrome. Last evaluated: 2025-08-04. Review status: criteria provided, single submitter. Criteria: ACMG Guidelines, 2015. Collection method: clinical testing. Allele origin: germline. Not counted in ClinVar's aggregate classification.
Comment: This variant changes 1 nucleotide in exon 11/27 of the BRCA2 gene, creating a premature translation stop signal. This variant is expected to result in an absent or non-functional protein product. This variant has been reported in a suspected hereditary breast and ovarian cancer family (PMID: 29176636). This variant has been identified in 1/31394 chromosomes in the general population by the Genome Aggregation Database (gnomAD). Loss of BRCA2 function is a known mechanism of disease. Based on the available evidence, this variant is classified as Pathogenic.

Labcorp Genetics (formerly Invitae), Labcorp
Classification: Pathogenic for Hereditary breast ovarian cancer syndrome. Last evaluated: 2025-06-11. Review status: criteria provided, single submitter. Criteria: Invitae Variant Classification Sherloc (09022015). Collection method: clinical testing. Allele origin: germline. Not counted in ClinVar's aggregate classification.
Comment: This sequence change creates a premature translational stop signal (p.Trp1563*) in the BRCA2 gene. It is expected to result in an absent or disrupted protein product. Loss-of-function variants in BRCA2 are known to be pathogenic (PMID: 20104584). This variant is present in population databases (no rsID available, gnomAD 0.01%). This premature translational stop signal has been observed in individual(s) with hereditary breast and ovarian cancer (PMID: 29176636). ClinVar contains an entry for this variant (Variation ID: 254539). For these reasons, this variant has been classified as Pathogenic.

Baylor Genetics
Classification: Pathogenic for Familial cancer of breast. Last evaluated: 2024-03-17. Review status: criteria provided, single submitter. Criteria: ACMG Guidelines, 2015. Collection method: clinical testing. Allele origin: unknown. Not counted in ClinVar's aggregate classification.

GeneDx
Classification: Pathogenic. Last evaluated: 2024-02-13. Review status: criteria provided, single submitter. Criteria: GeneDx Variant Classification Process June 2021. Collection method: clinical testing. Allele origin: germline. Affected: yes. Not counted in ClinVar's aggregate classification.
Comment: Nonsense variant predicted to result in protein truncation or nonsense mediated decay in a gene for which loss-of-function is a known mechanism of disease; Observed in at least one individual with a personal or family history consistent with pathogenic variants in this gene (PMID: 29176636); Not observed at significant frequency in large population cohorts (gnomAD); Also known as 4917G>A; Truncating variants in this gene are considered pathogenic by a well-established clinical consortium and/or database; This variant is associated with the following publications: (PMID: 29884841, 32377563, 35165121, 29176636)

Quest Diagnostics Nichols Institute San Juan Capistrano
Classification: Pathogenic. Last evaluated: 2021-12-31. Review status: criteria provided, single submitter. Criteria: Quest Diagnostics criteria. Collection method: clinical testing. Allele origin: unknown. Not counted in ClinVar's aggregate classification.
Comment: This nonsense variant causes the premature termination of BRCA2 protein synthesis. The frequency of this variant in the general population, 0.00011 (1/8716 chromosomes), is consistent with pathogenicity. In the published literature, the variant has been reported in a large Japanese BRCA1/BRCA2 mutation screening study (PMID: 29176636 (2018)). Based on the available information, this variant is classified as pathogenic.

Ambry Genetics
Classification: Pathogenic for Hereditary cancer-predisposing syndrome. Last evaluated: 2021-11-09. Review status: criteria provided, single submitter. Criteria: Ambry Variant Classification Scheme 2023. Collection method: clinical testing. Allele origin: germline. Not counted in ClinVar's aggregate classification.
Comment: The p.W1563* pathogenic mutation (also known as c.4689G>A), located in coding exon 10 of the BRCA2 gene, results from a G to A substitution at nucleotide position 4689. This changes the amino acid from a tryptophan to a stop codon within coding exon 10. This mutation has been identified in a Japanese cohort of individuals undergoing BRCA1/2 testing (Arai M et al. J Hum Genet, 2018 Apr;63:447-457). This alteration is expected to result in loss of function by premature protein truncation or nonsense-mediated mRNA decay. As such, this alteration is interpreted as a disease-causing mutation.

ARUP Laboratories, Molecular Genetics and Genomics, ARUP Laboratories
Classification: Pathogenic. Last evaluated: 2016-12-21. Review status: criteria provided, single submitter. Criteria: ARUP Molecular Germline Variant Investigation Process. Collection method: clinical testing. Allele origin: germline. Not counted in ClinVar's aggregate classification.

Literature cited by the submitters: PubMed 29176636 (cited by 4 submitters); PubMed 20104584 (cited by Labcorp Genetics (formerly Invitae), Labcorp).